The following is an entry in ClinVar:

ClinVar aggregate classification (germline): Uncertain significance. Review status: criteria provided, multiple submitters, no conflicts (2 of 4 stars). 3 submissions from 3 submitters: Uncertain significance (3). Last evaluated 2026-08-20.

Conditions:
Inborn genetic diseases. Identifiers: MedGen C0950123, MeSH D030342.
GJB3-related disorder. Also called: GJB3-related condition.

Allele frequency attached by ClinVar (database versions not stated): ExAC 0.00002; ESP Exome Variant Server 0.00015; gnomAD 0.00006; TOPMed 0.00007.
gnomAD v4.1: 43 of 1,613,886 alleles (0.0027%); highest among the groups gnomAD compares: African/African-American, 0.017%; no homozygotes.

Submissions (3):

GeneDx
Classification: Uncertain significance. Last evaluated: 2026-08-20. Review status: criteria provided, single submitter. Criteria: GeneDx Variant Classification Process June 2021. Collection method: clinical testing. Allele origin: germline.
Comment: In silico analysis suggests that this missense variant does not alter protein structure/function; Has not been previously published as pathogenic or benign to our knowledge

Ambry Genetics
Classification: Uncertain significance for Inborn genetic diseases. Last evaluated: 2024-03-19. Review status: criteria provided, single submitter. Criteria: Ambry Variant Classification Scheme 2023. Collection method: clinical testing. Allele origin: germline.

PreventionGenetics, part of Exact Sciences
Classification: Uncertain significance for GJB3-related condition. Last evaluated: 2023-10-09. Review status: criteria provided, single submitter. Criteria: ACMG Guidelines, 2015. Collection method: clinical testing. Allele origin: germline.
Comment: The GJB3 c.671G>A variant is predicted to result in the amino acid substitution p.Arg224Gln. To our knowledge, this variant has not been reported in the literature. This variant is reported in 0.012% of alleles in individuals of African descent in gnomAD. At this time, the clinical significance of this variant is uncertain due to the absence of conclusive functional and genetic evidence.

NM_024009.3(GJB3):c.671G>A (p.Arg224Gln)

Gene: GJB3 (gap junction protein beta 3; plus strand). Cytogenetic location: 1p34.3.
Variant type: single nucleotide variant.
Coding change: c.671G>A on transcript NM_024009.3 (MANE Select); coding-DNA position 671, G replaced by A.
Protein change: p.Arg224Gln; replaces arginine 224 with glutamine.
Molecular consequence: missense variant.
Genome position (GRCh38, 1-based): chr1:34,785,433, G>A. VCF-style: chr1-34785433-G-A. GRCh37 (hg19) VCF-style: chr1-35251034-G-A.
Other names: c.671G>A, p.Arg224Gln (NM_001005752.2); short protein forms R224Q.
Identifiers: ClinVar variation 2634628 (VCV002634628.4), dbSNP rs367983532, ClinGen allele CA754884.